The following is an entry in ClinVar:

NM_001135155.3(DPF1):c.109C>T (p.Arg37Ter)

Gene: DPF1 (double PHD fingers 1; minus strand). Cytogenetic location: 19q13.2.
Variant type: single nucleotide variant.
Coding change: c.109C>T on transcript NM_001135155.3 (MANE Select); coding-DNA position 109, C replaced by T.
Protein change: p.Arg37Ter; replaces arginine 37 with a stop codon.
Molecular consequence: nonsense. On other transcripts: 5 prime UTR variant (1).
Genome position (GRCh38, 1-based): chr19:38,222,629, G>A on the plus strand (C>T on the coding strand, the complement: DPF1 is on the minus strand). VCF-style: chr19-38222629-G-A. GRCh37 (hg19) VCF-style: chr19-38713269-G-A.
Other names: c.-57C>T (NM_001135156.3); c.109C>T, p.Arg37Ter (NM_001289978.2, NM_004647.4); c.112C>T, p.Arg38Ter (NM_001363579.1); short protein forms R37*, R38*.
Identifiers: ClinVar variation 4537468 (VCV004537468.1).

ClinVar aggregate classification (germline): Uncertain significance (1 of 4 stars; one submission).

Conditions:
Long eyelashes. Identifiers: MedGen C1853738, HP:0000527.
Ataxia. Identifiers: MedGen C0004134, HP:0001251.
Triangular face. Identifiers: MedGen C1835884, HP:0000325.
Dysarthria. Identifiers: MedGen C0013362, HP:0001260.
Memory impairment. Identifiers: MedGen C0233794, HP:0002354.
Tremor. Also called: tremors. Identifiers: MedGen C0040822, HP:0001337.
Wide mouth. Identifiers: MedGen C0024433, HP:0000154.

Submission:

The Shared Resource Centre "Genome", Research Centre for Medical Genetics
Classification: Uncertain significance for Ataxia; Dysarthria; Memory impairment; Tremor; Long eyelashes; Triangular face; Wide mouth. Last evaluated: 2025-12-12. Review status: criteria provided, single submitter. Criteria: ACMG Guidelines, 2015. Collection method: clinical testing. Allele origin: de novo. Inheritance: Autosomal dominant inheritance. Affected: yes. Observed: 1 heterozygote.
Comment: A heterozygous nucleotide sequence variant in exon 2 of the DPF1 gene (chr19:38222629G>A), resulting in a premature termination codon (NM_001135155.3: c.109C>T, p.(Arg37Ter)), was identified. The identified nucleotide sequence variant is absent from the control population in the Genome Aggregation Database (gnomAD v3.1.2). Phenotypes associated with the DPF1 gene are not currently described in the OMIM database. The variant occurred de novo. This gene has a pLI score of 1, indicating intolerance to loss-of-function variants. The DPF1 gene has a well-characterized paralog, DPF2. DPF2 is a component of the cBAF complex and is ubiquitously expressed; heterozygous variants in DPF2 have been described in Coffin-Siris syndrome 7 (OMIM: 618027). The DPF1 gene is a component of the neuron-specific nBAF complex and is predominantly expressed in brain tissue. According to current studies, defects in DPF1 are significantly associated with neurodevelopmental disorders (PMID: 37500730). The proband's phenotype overlaps with the clinical spectrum of BAF-opathies. Based on the available evidence, this variant should be classified as uncertain significance.

Literature cited by the submitters: DOI 10.1038/s41588-023-01451-6.